The following is an entry in ClinVar:

ClinVar aggregate classification (germline): Uncertain significance. Review status: criteria provided, multiple submitters, no conflicts (2 of 4 stars). 2 submissions from 2 submitters: Uncertain significance (2). Last evaluated 2022-08-20.

Conditions:
Inborn genetic diseases. Identifiers: MedGen C0950123, MeSH D030342.
Spastic paraplegia. Identifiers: MedGen C0037772, HP:0001258.

Allele frequency attached by ClinVar (database versions not stated): TOPMed below 0.00001; gnomAD 0.00001; gnomAD exomes 0.00001.
gnomAD v4.1: 8 of 1,209,808 alleles (0.00066%); highest among the groups gnomAD compares: East Asian, 0.0059%; no homozygotes.

Submissions (2):

Labcorp Genetics (formerly Invitae), Labcorp
Classification: Uncertain significance for Spastic paraplegia. Last evaluated: 2022-08-20. Review status: criteria provided, single submitter. Criteria: Invitae Variant Classification Sherloc (09022015). Collection method: clinical testing. Allele origin: germline.
Comment: This variant is present in population databases (no rsID available, gnomAD 0.004%), including at least one homozygous and/or hemizygous individual. This variant has not been reported in the literature in individuals affected with SLC16A2-related conditions. Algorithms developed to predict the effect of missense changes on protein structure and function are either unavailable or do not agree on the potential impact of this missense change (SIFT: "Deleterious"; PolyPhen-2: "Possibly Damaging"; Align-GVGD: "Class C0"). In summary, the available evidence is currently insufficient to determine the role of this variant in disease. Therefore, it has been classified as a Variant of Uncertain Significance. This sequence change replaces arginine, which is basic and polar, with cysteine, which is neutral and slightly polar, at codon 319 of the SLC16A2 protein (p.Arg319Cys).

Ambry Genetics
Classification: Uncertain significance for Inborn genetic diseases. Last evaluated: 2018-11-29. Review status: criteria provided, single submitter. Criteria: Ambry Variant Classification Scheme 2023. Collection method: clinical testing. Allele origin: germline.
Comment: The p.R393C variant (also known as c.1177C>T), located in coding exon 3 of the SLC16A2 gene, results from a C to T substitution at nucleotide position 1177. The arginine at codon 393 is replaced by cysteine, an amino acid with highly dissimilar properties. This amino acid position is well conserved in available vertebrate species. In addition, this alteration is predicted to be and by PolyPhen and SIFT in silico analyses, respectively. Since supporting evidence is limited at this time, the clinical significance of this alteration remains unclear.

NM_006517.5(SLC16A2):c.955C>T (p.Arg319Cys)

Gene: SLC16A2 (solute carrier family 16 member 2; plus strand). Cytogenetic location: Xq13.2.
Variant type: single nucleotide variant.
Coding change: c.955C>T on transcript NM_006517.5 (MANE Select); coding-DNA position 955, C replaced by T.
Protein change: p.Arg319Cys; replaces arginine 319 with cysteine.
Molecular consequence: missense variant.
Genome position (GRCh38, 1-based): chrX:74,524,738, C>T. VCF-style: chrX-74524738-C-T. GRCh37 (hg19) VCF-style: chrX-73744573-C-T.
Other names: short protein forms R319C.
Identifiers: ClinVar variation 1741036 (VCV001741036.7), dbSNP rs1375705723, ClinGen allele CA413657652.